The following is an entry in ClinVar:

ClinVar aggregate classification (germline): Likely pathogenic (1 of 4 stars; one submission).

Conditions:
Cardiovascular phenotype. Identifiers: MedGen CN230736.

Submission:

Ambry Genetics
Classification: Likely pathogenic for Cardiovascular phenotype. Last evaluated: 2020-11-12. Review status: criteria provided, single submitter. Criteria: Ambry Variant Classification Scheme 2023. Collection method: clinical testing. Allele origin: germline.
Comment: The c.53176dupG variant, located in coding exon 153 of the TTN gene, results from a duplication of G at nucleotide position 53176, causing a translational frameshift with a predicted alternate stop codon (p.D17726Gfs*15). This variant was not reported in population-based cohorts in the Genome Aggregation Database (gnomAD). This exon is located in the A-band region of the N2-B isoform of the titin protein and is constitutively expressed in TTN transcripts (percent spliced in or PSI 100%). This alteration is expected to result in loss of function by premature protein truncation or nonsense-mediated mRNA decay. While truncating variants in TTN are present in 1-3% of the general population, truncating variants in the A-band are the most common cause of dilated cardiomyopathy (DCM) (Herman DS et al. N. Engl. J. Med., 2012 Feb;366:619-28; Roberts AM et al. Sci Transl Med, 2015 Jan;7:270ra6). TTN truncating variants encoded in constitutive exons (PSI >90%) have been found to be significantly associated with DCM regardless of their position in titin (Schafer S et al. Nat. Genet., 2017 01;49:46-53). As such, this alteration is classified as likely pathogenic.

NM_001267550.2(TTN):c.80371dup (p.Asp26791fs)

Genes: TTN (titin; minus strand), TTN-AS1 (TTN antisense RNA 1; plus strand). Cytogenetic location: 2q31.2.
Variant type: Duplication.
Coding change: c.80371dup on transcript NM_001267550.2 (MANE Select); coding-DNA position 80371, one base duplicated (G; older notation c.80371dupG).
Protein change: p.Asp26791fs; shifts the reading frame from aspartic acid 26791.
Molecular consequence: frameshift variant.
Genome position (GRCh38, 1-based): chr2:178,565,761, C duplicated on the plus strand (G on the coding strand, the reverse complement: TTN is on the minus strand). VCF-style (leftmost placement, unchanged base first): chr2-178565760-T-TC. GRCh37 (hg19) VCF-style: chr2-179430487-T-TC.
Other names: c.75448dup, p.Asp25150fs (NM_001256850.1); c.53176dup, p.Asp17726fs (NM_003319.4); c.72667dup, p.Asp24223fs (NM_133378.4); c.53551dup, p.Asp17851fs (NM_133432.3); c.53752dup, p.Asp17918fs (NM_133437.4); c.53176dupG (NM_003319.4); short protein forms D24223fs, D17726fs, D17918fs, D25150fs, D26791fs, D17851fs.
Identifiers: ClinVar variation 1746790 (VCV001746790.2), dbSNP rs2468259366, ClinGen allele CA2580064829.
Genomic context (GRCh38, chr2:178,565,760, plus strand): 5'-CTGCTACCGCCATCATGTTCAGGTTTCTCCCACATAAGTGATGCACTGGTCTGGGACACA[T>TC]CAGTGAGTGTAACCTTTCCTGGTGGGGAAGGAGGTTCAGCAGCTTTCACGGCATCAACAG-3'